The following is an entry in ClinVar:

NM_000130.5(F5):c.*1820A>C

Gene: F5 (coagulation factor V; minus strand). Cytogenetic location: 1q24.2.
Variant type: single nucleotide variant.
Coding change: c.*1820A>C on transcript NM_000130.5 (MANE Select); 1820 bases downstream of the stop codon, A replaced by C.
Molecular consequence: 3 prime UTR variant.
Genome position (GRCh38, 1-based): chr1:169,512,493, T>G on the plus strand (A>C on the coding strand, the complement: F5 is on the minus strand). VCF-style: chr1-169512493-T-G. GRCh37 (hg19) VCF-style: chr1-169481731-T-G.
Identifiers: ClinVar variation 293544 (VCV000293544.6), dbSNP rs72708013, ClinGen allele CA10608283.

ClinVar aggregate classification (germline): Benign. Review status: criteria provided, multiple submitters, no conflicts (2 of 4 stars). 4 submissions from 2 submitters: Benign (4). Last evaluated 2021-05-11.

Conditions:
Budd-Chiari syndrome (BDCHS). Also called: Hepatic vein obstruction. Identifiers: Orphanet 131, MedGen C0856761, MONDO:0010947, OMIM 600880, HP:0002639.
Factor V deficiency. Also called: Reduced coagulation factor V activity. Identifiers: Orphanet 326, MedGen C4317320, MONDO:0020586, HP:0003225.
Thrombophilia due to thrombin defect (THPH1). Also called: Thrombosis susceptibility; THROMBOPHILIA DUE TO FACTOR 2 DEFECT; Prothrombin-Related Thrombophilia (Factor II); Prothrombin Thrombophilia. Identifiers: MedGen C3160733, MONDO:0008559, OMIM 188050. Disease mechanism: gain of function, loss of function.

Allele frequency attached by ClinVar (database versions not stated): 1000 Genomes Project 30x 0.04403; 1000 Genomes Project 0.04533; TOPMed 0.05166; gnomAD 0.05470 and 0.05560.
gnomAD v4.1: 8,425 of 152,132 alleles (5.5%); highest among the groups gnomAD compares: Admixed American, 10%; 348 homozygotes.

Submissions (4):

GeneDx
Classification: Benign. Last evaluated: 2021-05-11. Review status: criteria provided, single submitter. Criteria: GeneDx Variant Classification Process June 2021. Collection method: clinical testing. Allele origin: germline. Affected: yes.

Illumina Laboratory Services, Illumina
Classification: Benign for Venous thrombosis. Last evaluated: 2018-01-13. Review status: criteria provided, single submitter. Criteria: ICSL Variant Classification Criteria 13 December 2019. Collection method: clinical testing. Allele origin: germline.
Comment: This variant was observed in the ICSL laboratory as part of a predisposition screen in an ostensibly healthy population. It had not been previously curated by ICSL or reported in the Human Gene Mutation Database (HGMD: prior to June 1st, 2018), and was therefore a candidate for classification through an automated scoring system. Utilizing variant allele frequency, disease prevalence and penetrance estimates, and inheritance mode, an automated score was calculated to assess if this variant is too frequent to cause the disease. Based on the score and internal cut-off values, a variant classified as benign is not then subjected to further curation. The score for this variant resulted in a classification of benign for this disease.

Illumina Laboratory Services, Illumina
Classification: Benign for Budd-Chiari syndrome. Last evaluated: 2018-01-13. Review status: criteria provided, single submitter. Criteria: ICSL Variant Classification Criteria 13 December 2019. Collection method: clinical testing. Allele origin: germline.
Comment: the same text as in the submission from Illumina Laboratory Services, Illumina above.

Illumina Laboratory Services, Illumina
Classification: Benign for Congenital factor V deficiency. Last evaluated: 2018-01-13. Review status: criteria provided, single submitter. Criteria: ICSL Variant Classification Criteria 13 December 2019. Collection method: clinical testing. Allele origin: germline.
Comment: the same text as in the submission from Illumina Laboratory Services, Illumina above.